The following is an entry in ClinVar:

NM_005751.5(AKAP9):c.11112A>G (p.Lys3704=)

Gene: AKAP9 (A-kinase anchoring protein 9; plus strand). Cytogenetic location: 7q21.2.
Variant type: single nucleotide variant.
Coding change: c.11112A>G on transcript NM_005751.5 (MANE Select); coding-DNA position 11112, A replaced by G.
Protein change: p.Lys3704=; no amino-acid change (lysine 3704 retained).
Molecular consequence: synonymous variant.
Genome position (GRCh38, 1-based): chr7:92,102,608, A>G. VCF-style: chr7-92102608-A-G. GRCh37 (hg19) VCF-style: chr7-91731922-A-G.
Other names: c.5757A>G, p.Lys1919= (NM_001379277.1); c.11088A>G, p.Lys3696= (NM_147185.3).
Identifiers: ClinVar variation 662653 (VCV000662653.1), dbSNP rs749059291, ClinGen allele CA4338095.

ClinVar aggregate classification (germline): Uncertain significance (1 of 4 stars; one submission).

Conditions:
Long QT syndrome (LQTS). Identifiers: MedGen C0023976, MeSH D008133, MONDO:0002442. Disease mechanism: loss of function. Inheritance: Various modes of inheritance.

Allele frequency attached by ClinVar (database versions not stated): gnomAD exomes below 0.00001; TOPMed below 0.00001; ExAC 0.00001.
gnomAD v4.1: 4 of 1,614,070 alleles (0.00025%); highest among the groups gnomAD compares: Non-Finnish European, 0.00034%; no homozygotes.

Submission:

Labcorp Genetics (formerly Invitae), Labcorp
Classification: Uncertain significance for Long QT syndrome. Last evaluated: 2018-09-11. Review status: criteria provided, single submitter. Criteria: Invitae Variant Classification Sherloc (09022015). Collection method: clinical testing. Allele origin: germline.
Comment: This sequence change affects codon 3704 of the AKAP9 mRNA. It is a 'silent' change, meaning that it does not change the encoded amino acid sequence of the AKAP9 protein. This variant is present in population databases (rs749059291, ExAC 0.002%). This variant has not been reported in the literature in individuals with AKAP9-related disease. Algorithms developed to predict the effect of sequence changes on RNA splicing suggest that this variant may create or strengthen a splice site, but this prediction has not been confirmed by published transcriptional studies. In summary, the available evidence is currently insufficient to determine the role of this variant in disease. Therefore, it has been classified as a Variant of Uncertain Significance.